The following is an entry in ClinVar:

ClinVar aggregate classification (germline): Uncertain significance. Review status: criteria provided, multiple submitters, no conflicts (2 of 4 stars). 2 submissions from 2 submitters: Uncertain significance (2). Last evaluated 2022-12-05.

Conditions:
RMP64-related condition.
NEPRO-related disorder. Also called: NEPRO-related condition.

Allele frequency attached by ClinVar (database versions not stated): ExAC 0.00004; gnomAD 0.00006; TOPMed 0.00009; gnomAD exomes 0.00010.

Submissions (2):

PreventionGenetics, part of Exact Sciences
Classification: Uncertain significance for NEPRO-related condition. Last evaluated: 2022-12-05. Review status: criteria provided, single submitter. Criteria: ACMG Guidelines, 2015. Collection method: clinical testing. Allele origin: germline.
Comment: The NEPRO c.1353delA variant is predicted to result in a frameshift and premature protein termination (p.Leu451Phefs*16). To our knowledge, this variant has not been reported in the literature. This variant is reported in 0.011% of alleles in individuals of Latino descent in gnomAD. To our knowledge, loss of function variants have not been reported in NEPRO. At this time, the clinical significance of this variant is uncertain due to the absence of conclusive functional and genetic evidence.

Department of Pathology and Laboratory Medicine, Sinai Health System
Classification: Uncertain significance for RMP64-related condition. Last evaluated: 2022-09-15. Review status: criteria provided, single submitter. Criteria: ACMG Guidelines, 2015. Collection method: research. Allele origin: germline.

NM_015412.4(RMP64):c.1353del (p.Leu451fs)

Gene: RMP64 (ribonuclease MRP subunit p64; minus strand). Cytogenetic location: 3q13.2.
Variant type: Deletion.
Coding change: c.1353del on transcript NM_015412.4 (MANE Select); coding-DNA position 1353, one base deleted (A; older notation c.1353delA).
Protein change: p.Leu451fs; shifts the reading frame from leucine 451.
Molecular consequence: frameshift variant. On other transcripts: non-coding transcript variant (1).
Genome position (GRCh38, 1-based): chr3:113,005,887, T deleted on the plus strand (A on the coding strand, the reverse complement: RMP64 is on the minus strand). VCF-style (leftmost placement, unchanged base first): chr3-113005886-GT-G. GRCh37 (hg19) VCF-style: chr3-112724733-GT-G.
Other names: c.1143del, p.Leu381fs (NM_001319109.2); c.852del, p.Leu284fs (NM_001319110.2); c.744del, p.Leu248fs (NM_001319111.2); c.1020del, p.Leu340fs (NM_001319112.2); c.945del, p.Leu315fs (NM_001319114.2); c.1062del, p.Leu354fs (NM_001319115.2); short protein forms L248fs, L284fs, L315fs, L340fs, L354fs, L381fs, L451fs.
Identifiers: ClinVar variation 2634711 (VCV002634711.2), dbSNP rs767065633, ClinGen allele CA2541934.